The following is an entry in ClinVar:

ClinVar aggregate classification (germline): Uncertain significance (1 of 4 stars; one submission).

Conditions:
Hypercholesterolemia, autosomal dominant, 3 (FHCL3). Also called: Familial Hypercholesterolemia, Autosomal Dominant, 3; PCSK9-Related Familial Hypercholesterolemia, Autosomal Dominant; Familial hypercholesterolemia 3. Identifiers: MedGen C1863551, MONDO:0011369, OMIM 603776.

gnomAD v4.1: 2 of 1,614,140 alleles (0.00012%); highest among the groups gnomAD compares: Admixed American, 0.0017%; no homozygotes.

Submission:

All of Us Research Program, National Institutes of Health
Classification: Uncertain significance for Hypercholesterolemia, autosomal dominant, 3. Last evaluated: 2023-10-06. Review status: criteria provided, single submitter. Criteria: ACMG Guidelines, 2015. Collection method: clinical testing. Allele origin: germline. Inheritance: Autosomal dominant inheritance. Observed: 1 variant allele, 1 heterozygote.
Comment: This missense variant replaces leucine with phenylalanine at codon 361 of the PCSK9 protein. Computational prediction is inconclusive regarding the impact of this variant on protein structure and function (internally defined REVEL score threshold 0.5 < inconclusive < 0.7, PMID: 27666373). To our knowledge, functional studies have not been reported for this variant. This variant has not been reported in individuals affected with PCSK9-related disorders in the literature. This variant has been identified in 1/251372 chromosomes in the general population by the Genome Aggregation Database (gnomAD). The available evidence is insufficient to determine the role of this variant in disease conclusively. Therefore, this variant is classified as a Variant of Uncertain Significance.

This study involves interpretation of variants in research participants for the purpose of population health screening. Participant phenotype was not available at the time of variant classification. Additional details can be found in publication PMID: 35346344, PMCID: PMC8962531

NM_174936.4(PCSK9):c.1081C>T (p.Leu361Phe)

Gene: PCSK9 (proprotein convertase subtilisin/kexin type 9; plus strand). Cytogenetic location: 1p32.3.
Variant type: single nucleotide variant.
Coding change: c.1081C>T on transcript NM_174936.4 (MANE Select); coding-DNA position 1081, C replaced by T.
Protein change: p.Leu361Phe; replaces leucine 361 with phenylalanine.
Molecular consequence: missense variant. On other transcripts: non-coding transcript variant (7).
Genome position (GRCh38, 1-based): chr1:55,057,415, C>T. VCF-style: chr1-55057415-C-T. GRCh37 (hg19) VCF-style: chr1-55523088-C-T.
Other names: c.706C>T, p.Leu236Phe (NM_001407246.1); c.1081C>T, p.Leu361Phe (NM_001407247.1, NM_001407241.1, NM_001407244.1); c.1204C>T, p.Leu402Phe (NM_001407240.1); c.1084C>T, p.Leu362Phe (NM_001407242.1); c.1024C>T, p.Leu342Phe (NM_001407243.1); c.889C>T, p.Leu297Phe (NM_001407245.1); short protein forms L236F, L297F, L342F, L361F, L362F, L402F.
Identifiers: ClinVar variation 3073715 (VCV003073715.1), dbSNP rs1242843864, ClinGen allele CA340476586.